The following is an entry in ClinVar:

NM_020533.3(MCOLN1):c.365G>A (p.Arg122Gln)

Gene: MCOLN1 (mucolipin TRP cation channel 1; plus strand). Cytogenetic location: 19p13.2.
Variant type: single nucleotide variant.
Coding change: c.365G>A on transcript NM_020533.3 (MANE Select); coding-DNA position 365, G replaced by A.
Protein change: p.Arg122Gln; replaces arginine 122 with glutamine.
Molecular consequence: missense variant.
Genome position (GRCh38, 1-based): chr19:7,526,566, G>A. VCF-style: chr19-7526566-G-A. GRCh37 (hg19) VCF-style: chr19-7591452-G-A.
Other names: short protein forms R122Q.
Identifiers: ClinVar variation 1307302 (VCV001307302.9), dbSNP rs371444491, ClinGen allele CA9138699.

ClinVar aggregate classification (germline): Conflicting classifications of pathogenicity. Review status: criteria provided, conflicting classifications (1 of 4 stars). 3 submissions from 3 submitters: Uncertain significance (2); Likely benign (1). Last evaluated 2025-12-24.

Conditions:
Mucolipidosis type IV (ML4). Also called: ML IV. Identifiers: Orphanet 578, MedGen C0238286, MONDO:0009653, OMIM 252650.
Inborn genetic diseases. Identifiers: MedGen C0950123, MeSH D030342.

Allele frequency attached by ClinVar (database versions not stated): ESP Exome Variant Server 0.00008; gnomAD exomes 0.00008 and 0.00016; ExAC 0.00010; TOPMed 0.00013; gnomAD 0.00015 and 0.00016.
gnomAD v4.1: 252 of 1,613,784 alleles (0.016%); highest among the groups gnomAD compares: Non-Finnish European, 0.02%; no homozygotes.

Submissions (3):

Labcorp Genetics (formerly Invitae), Labcorp
Classification: Likely benign for Mucolipidosis type IV. Last evaluated: 2025-12-24. Review status: criteria provided, single submitter. Criteria: Invitae Variant Classification Sherloc (09022015). Collection method: clinical testing. Allele origin: germline.

Ambry Genetics
Classification: Uncertain significance for Inborn genetic diseases. Last evaluated: 2025-07-03. Review status: criteria provided, single submitter. Criteria: Ambry Variant Classification Scheme 2023. Collection method: clinical testing. Allele origin: germline.
Comment: The p.R122Q variant (also known as c.365G>A), located in coding exon 3 of the MCOLN1 gene, results from a G to A substitution at nucleotide position 365. The arginine at codon 122 is replaced by glutamine, an amino acid with highly similar properties. This amino acid position is conserved. In addition, this alteration is predicted to be tolerated by in silico analysis. Since supporting evidence is limited at this time, the clinical significance of this alteration remains unclear.

GeneDx
Classification: Uncertain significance. Last evaluated: 2019-07-29. Review status: criteria provided, single submitter. Criteria: GeneDx Variant Classification Process June 2021. Collection method: clinical testing. Allele origin: germline. Affected: yes.
Comment: Not observed at a significant frequency in large population cohorts (Lek et al., 2016); In silico analysis, which includes protein predictors and evolutionary conservation, supports that this variant does not alter protein structure/function; Has not been previously published as pathogenic or benign to our knowledge